The following is an entry in ClinVar:

NM_018993.4(RIN2):c.628+289C>T

Gene: RIN2 (Ras and Rab interactor 2; plus strand). Cytogenetic location: 20p11.23.
Variant type: single nucleotide variant.
Coding change: c.628+289C>T on transcript NM_018993.4 (MANE Select); 289 bases into the intron after coding-DNA position 628, C replaced by T.
Molecular consequence: intron variant.
Genome position (GRCh38, 1-based): chr20:19,971,218, C>T. VCF-style: chr20-19971218-C-T. GRCh37 (hg19) VCF-style: chr20-19951862-C-T.
Other names: c.10+289C>T (NM_001378238.1); c.775+289C>T (NM_001242581.2).
Identifiers: ClinVar variation 684004 (VCV000684004.1), dbSNP rs2273103, ClinGen allele CA14785176.

ClinVar aggregate classification (germline): Benign (1 of 4 stars; one submission).

Allele frequency attached by ClinVar (database versions not stated): gnomAD 0.15319 and 0.15418; 1000 Genomes Project 30x 0.15662; TOPMed 0.15986; 1000 Genomes Project 0.16014.
gnomAD v4.1: 23,094 of 151,360 alleles (15%); highest among the groups gnomAD compares: East Asian, 27%; 1,812 homozygotes.

Submission:

GeneDx
Classification: Benign. Last evaluated: 2018-06-14. Review status: criteria provided, single submitter. Criteria: GeneDx Variant Classification (06012015). Collection method: clinical testing. Allele origin: germline. Affected: yes.
Comment: This variant is considered likely benign or benign based on one or more of the following criteria: it is a conservative change, it occurs at a poorly conserved position in the protein, it is predicted to be benign by multiple in silico algorithms, and/or has population frequency not consistent with disease.